The following is an entry in ClinVar:

ClinVar aggregate classification (germline): Likely benign. Review status: criteria provided, multiple submitters, no conflicts (2 of 4 stars). 2 submissions from 2 submitters: Likely benign (2). Last evaluated 2023-08-04.

Conditions:
Developmental and epileptic encephalopathy, 36 (DEE36). Also called: Epileptic encephalopathy, early infantile, 36; Congenital disorder of glycosylation, type Is; ALG13-CDG. Identifiers: Orphanet 324422, MedGen C4317295, MONDO:0010472, OMIM 300884.

Allele frequency attached by ClinVar (database versions not stated): gnomAD 0.00001.
gnomAD v4.1: 1 of 1,208,135 alleles (0.000083%); highest among the groups gnomAD compares: Admixed American, 0.0022%; no homozygotes.

Submissions (2):

Labcorp Genetics (formerly Invitae), Labcorp
Classification: Likely benign for Developmental and epileptic encephalopathy, 36. Last evaluated: 2023-08-04. Review status: criteria provided, single submitter. Criteria: Invitae Variant Classification Sherloc (09022015). Collection method: clinical testing. Allele origin: germline.

GeneDx
Classification: Likely benign. Last evaluated: 2017-01-27. Review status: criteria provided, single submitter. Criteria: GeneDx Variant Classification (06012015). Collection method: clinical testing. Allele origin: germline. Affected: yes.
Comment: This variant is considered likely benign or benign based on one or more of the following criteria: it is a conservative change, it occurs at a poorly conserved position in the protein, it is predicted to be benign by multiple in silico algorithms, and/or has population frequency not consistent with disease.

NM_001099922.3(ALG13):c.2368+10T>G

Gene: ALG13 (ALG13 UDP-N-acetylglucosaminyltransferase subunit; plus strand). Cytogenetic location: Xq23.
Variant type: single nucleotide variant.
Coding change: c.2368+10T>G on transcript NM_001099922.3 (MANE Select); 10 bases into the intron after coding-DNA position 2368, T replaced by G.
Molecular consequence: intron variant.
Genome position (GRCh38, 1-based): chrX:111,728,315, T>G. VCF-style: chrX-111728315-T-G. GRCh37 (hg19) VCF-style: chrX-110971543-T-G.
Other names: c.2056+10T>G (NM_001257237.2, NM_001257234.2, NM_001257230.2); c.1882+10T>G (NM_001324293.1); c.2134+10T>G (NM_001257231.2); c.2368+10T>G (NM_001324292.2).
Identifiers: ClinVar variation 507006 (VCV000507006.9), dbSNP rs1556509952, ClinGen allele CA658799845.
Genomic context (GRCh38, chrX:111,728,315, plus strand): 5'-CAGGCAAACAGACTTTGAATTTAGAGGAGGGCAATGGCCAGAGTGAAAATGGTGAGTCAA[T>G]TACAGTTAAATATTTTTTAAAAGATTCTTGTGGCATTAGCACATCAGGCCAGTGAAGTAG-3'